The following is an entry in ClinVar:

NM_002485.5(NBN):c.2167del (p.Trp722_Leu723insTer)

Gene: NBN (nibrin; minus strand). Cytogenetic location: 8q21.3.
Variant type: Deletion.
Coding change: c.2167del on transcript NM_002485.5 (MANE Select); coding-DNA position 2167, one base deleted (C; older notation c.2167delC).
Protein change: p.Trp722_Leu723insTer.
Molecular consequence: nonsense.
Genome position (GRCh38, 1-based): chr8:89,943,270, G deleted on the plus strand (C on the coding strand, the reverse complement: NBN is on the minus strand). VCF-style (leftmost placement, unchanged base first): chr8-89943269-AG-A. GRCh37 (hg19) VCF-style: chr8-90955497-AG-A.
Other names: NC_000008.10:g.90955498del; c.1921del, p.Trp640_Leu641insTer (NM_001024688.3).
Identifiers: ClinVar variation 3383204 (VCV003383204.4).
Genomic context (GRCh38, chr8:89,943,269, plus strand): 5'-AAAGTGCAATTTAAGCAAGTTTCTGGGCCTCACTTCCTACTAACCTCCATTTCCTGCCTT[AG>A]CCACTCTTCTAGTTCTGTATTCTTTCGAGCATGATGAGCTATTAGATCTGATCCTCCAAT-3'

ClinVar aggregate classification (germline): Likely pathogenic. Review status: criteria provided, multiple submitters, no conflicts (2 of 4 stars). 2 submissions from 2 submitters: Likely pathogenic (2). Last evaluated 2024-04-23.

Conditions:
Acute lymphoid leukemia (ALL). Also called: Acute lymphoblastic leukemia; Acute lymphocytic leukemia; Leukemia, acute lymphoblastic, somatic; Lymphoblastic leukemia. Identifiers: Orphanet 513, MedGen C0023449, MONDO:0004967, OMIM 613065, HP:0006721.
Microcephaly, normal intelligence and immunodeficiency (NBS). Also called: Microcephaly with normal intelligence immunodeficiency and lymphoreticular malignancies; Nonsyndromal microcephaly autosomal recessive with normal intelligence; Seemanova syndrome 2; IMMUNODEFICIENCY, MICROCEPHALY, AND CHROMOSOMAL INSTABILITY; SEEMANOVA SYNDROME II; BERLIN BREAKAGE SYNDROME. Identifiers: Orphanet 647, MedGen C0398791, MONDO:0009623, OMIM 251260.
Aplastic anemia. Identifiers: Orphanet 182040, Orphanet 88, MedGen C0002874, MONDO:0015909, OMIM 609135, HP:0001915.

Submissions (3):

Natera, Inc.
Classification: Likely pathogenic for Nijmegen breakage syndrome. Last evaluated: 2024-04-23. Review status: criteria provided, single submitter. Criteria: Natera Variant Classification Schema (03/2026). Collection method: clinical testing. Allele origin: germline.
Comment: The c.2167delC variant in NBN is a frameshift variant predicted to shift the reading frame and introduce a stop codon. This variant is expected to result in nonsense mediated decay, truncation, or a dysfunctional protein product. This variant is rare in the general population with a frequency below the threshold expected for the associated phenotype(s). Given the available evidence, this variant is classified as Likely Pathogenic.

Juno Genomics, Hangzhou Juno Genomics, Inc
Classification: Likely pathogenic for Aplastic anemia; Acute lymphoid leukemia; Microcephaly, normal intelligence and immunodeficiency. Review status: criteria provided, single submitter. Criteria: ACMG Guidelines, 2015. Collection method: clinical testing. Allele origin: germline. Affected: yes.
Comment: Null variant in a gene where loss of function (LOF) is a known mechanism of disease.;Absent from controls (or at extremely low frequency if recessive) in Genome Aggregation Database, Exome Sequencing Project, 1000 Genomes Project, or Exome Aggregation Consortium.

Dr. Peter K. Rogan Lab, Western University
No classification provided (evidence only). Condition: Hepatocellular carcinoma. Review status: no classification provided. Collection method: in vitro. Allele origin: not applicable. Functional consequence: retained intron. Not counted in ClinVar's aggregate classification.